The following is an entry in ClinVar:

ClinVar aggregate classification (germline): Uncertain significance (1 of 4 stars; one submission).

Conditions:
Muscular dystrophy-dystroglycanopathy (congenital with brain and eye anomalies), type a, 8 (MDDGA8). Also called: WALKER-WARBURG SYNDROME OR MUSCLE-EYE-BRAIN DISEASE, GTDC2-RELATED. Identifiers: Orphanet 899, MedGen C3553813, MONDO:0013904, OMIM 614830.

Allele frequency attached by ClinVar (database versions not stated): gnomAD 0.00001; TOPMed 0.00001.
gnomAD v4.1: 1 of 1,614,132 alleles (0.000062%); highest among the groups gnomAD compares: African/African-American, 0.0013%; no homozygotes.

Submission:

Labcorp Genetics (formerly Invitae), Labcorp
Classification: Uncertain significance for Muscular dystrophy-dystroglycanopathy (congenital with brain and eye anomalies), type a, 8. Last evaluated: 2025-05-27. Review status: criteria provided, single submitter. Criteria: Invitae Variant Classification Sherloc (09022015). Collection method: clinical testing. Allele origin: germline.
Comment: This sequence change replaces serine, which is neutral and polar, with phenylalanine, which is neutral and non-polar, at codon 120 of the POMGNT2 protein (p.Ser120Phe). This variant is not present in population databases (gnomAD no frequency). This variant has not been reported in the literature in individuals affected with POMGNT2-related conditions. ClinVar contains an entry for this variant (Variation ID: 1389693). Invitae Evidence Modeling of protein sequence and biophysical properties (such as structural, functional, and spatial information, amino acid conservation, physicochemical variation, residue mobility, and thermodynamic stability) has been performed for this missense variant. However, the output from this modeling did not meet the statistical confidence thresholds required to predict the impact of this variant on POMGNT2 protein function. In summary, the available evidence is currently insufficient to determine the role of this variant in disease. Therefore, it has been classified as a Variant of Uncertain Significance.

NM_032806.6(POMGNT2):c.359C>T (p.Ser120Phe)

Gene: POMGNT2 (protein O-linked mannose N-acetylglucosaminyltransferase 2 (beta 1,4-); minus strand). Cytogenetic location: 3p22.1.
Variant type: single nucleotide variant.
Coding change: c.359C>T on transcript NM_032806.6 (MANE Select); coding-DNA position 359, C replaced by T.
Protein change: p.Ser120Phe; replaces serine 120 with phenylalanine.
Molecular consequence: missense variant.
Genome position (GRCh38, 1-based): chr3:43,081,073, G>A on the plus strand (C>T on the coding strand, the complement: POMGNT2 is on the minus strand). VCF-style: chr3-43081073-G-A. GRCh37 (hg19) VCF-style: chr3-43122565-G-A.
Other names: short protein forms S120F.
Identifiers: ClinVar variation 1389693 (VCV001389693.4), dbSNP rs954166238, ClinGen allele CA74244130.